The following is an entry in ClinVar:

NM_000787.4(DBH):c.1085C>A (p.Ala362Glu)

Gene: DBH (dopamine beta-hydroxylase; plus strand). Cytogenetic location: 9q34.2.
Variant type: single nucleotide variant.
Coding change: c.1085C>A on transcript NM_000787.4 (MANE Select); coding-DNA position 1085, C replaced by A.
Protein change: p.Ala362Glu; replaces alanine 362 with glutamic acid.
Molecular consequence: missense variant.
Genome position (GRCh38, 1-based): chr9:133,647,906, C>A. VCF-style: chr9-133647906-C-A. GRCh37 (hg19) VCF-style: chr9-136513028-C-A.
Other names: C1043A; A348E; short protein forms A362E.
Identifiers: ClinVar variation 217765 (VCV000217765.4), dbSNP rs75215331, ClinGen allele CA347644.
Genomic context (GRCh38, chr9:133,647,906, plus strand): 5'-GACGAAACGACTCCTCAGGCATCCGCTTGTACTACACAGCCAAGCTGCGGCGCTTCAACG[C>A]GGGGATCATGGAGCTGGGACTGGTGTACACGCCAGTGATGGCCATTCCACCACGGGAGAC-3'
Protein context (NP_000778.3, residues 352-372): YYTAKLRRFN[Ala362Glu]GIMELGLVYT

ClinVar aggregate classification (germline): not provided (0 of 4 stars; one submission).

Conditions:
Orthostatic hypotension 1 (ORTHYP1). Also called: Dopamine beta-hydroxylase deficiency; NORADRENALINE DEFICIENCY; NOREPINEPHRINE DEFICIENCY; Orthostatic hypotension 1, due to DBH deficiency. Identifiers: Orphanet 230, MedGen C4746777, MONDO:0009123, OMIM 223360.

Allele frequency attached by ClinVar (database versions not stated): TOPMed 0.00004.

Submission:

GeneReviews
No classification provided. Condition: Orthostatic hypotension 1. Review status: no classification provided. Collection method: literature only. Allele origin: germline.
Comment: Abnormal protein retained in cell, suggesting abnormal trafficking & secretion [Kim et al 2011]

Literature cited by the submitters: PubMed 21209083; NCBI Bookshelf NBK1474.